The following is an entry in ClinVar:

NM_006516.4(SLC2A1):c.266G>A (p.Arg89His)

Gene: SLC2A1 (solute carrier family 2 member 1; minus strand). Cytogenetic location: 1p34.2.
Variant type: single nucleotide variant.
Coding change: c.266G>A on transcript NM_006516.4 (MANE Select); coding-DNA position 266, G replaced by A.
Protein change: p.Arg89His; replaces arginine 89 with histidine.
Molecular consequence: missense variant.
Genome position (GRCh38, 1-based): chr1:42,931,055, C>T on the plus strand (G>A on the coding strand, the complement: SLC2A1 is on the minus strand). VCF-style: chr1-42931055-C-T. GRCh37 (hg19) VCF-style: chr1-43396726-C-T.
Other names: c.266G>A (NM_006516.2); short protein forms R89H.
Identifiers: ClinVar variation 1439394 (VCV001439394.10), dbSNP rs370031715, ClinGen allele CA803589.
Genomic context (GRCh38, chr1:42,931,055, plus strand): 5'-GCAGGAGGGCATGGGCCCTCCAAGGGCAGTGCCAGGACCTCTCCTACTTACCGGCCAAAG[C>T]GGTTAACGAAAAGGCCCACAGAGAAGGAGCCAATCATGCCCCCAACAGAAAAGATGGCCA-3'
Protein context (NP_006507.2, residues 79-99): GSFSVGLFVN[Arg89His]FGRRNSMLMM

ClinVar aggregate classification (germline): Uncertain significance. Review status: criteria provided, multiple submitters, no conflicts (2 of 4 stars). 7 submissions from 3 submitters: Uncertain significance (7). Last evaluated 2025-04-15.

Conditions:
Hereditary cryohydrocytosis with reduced stomatin. Also called: Stomatin-deficient cryohydrocytosis with neurologic defects; GLUT1 DEFICIENCY SYNDROME WITH PSEUDOHYPERKALEMIA AND HEMOLYSIS. Identifiers: Orphanet 168577, MedGen C1837206, MONDO:0012143, OMIM 608885.
SLC2A1-related disorder. Also called: SLC2A1-related disorders; SLC2A1-related condition.
Dystonia 9 (DYT9). Also called: CHOREOATHETOSIS, KINESIGENIC, WITH EPISODIC ATAXIA AND SPASTICITY. Identifiers: Orphanet 53583, MedGen C1832855, MONDO:0010983, OMIM 601042.
Epilepsy, idiopathic generalized, susceptibility to, 12 (EIG12). Identifiers: MedGen C3553859, MONDO:0013919, OMIM 614847.
Encephalopathy due to GLUT1 deficiency. Also called: Classic Glucose Transporter Type 1 Deficiency Syndrome; GLUCOSE TRANSPORT DEFECT, BLOOD-BRAIN BARRIER; De Vivo disease; Glucose transporter protein syndrome; GLUT1 deficiency syndrome 1; GLUT1 deficiency syndrome 1, infantile onset, severe. Identifiers: Orphanet 71277, MedGen C4551966, MONDO:0011724, OMIM 606777.
GLUT1 deficiency syndrome 1, autosomal recessive. Identifiers: MedGen C3149117.
Childhood onset GLUT1 deficiency syndrome 2. Also called: Paroxysmal exercise-induced dystonia; PAROXYSMAL EXERCISE-INDUCED DYSKINESIA WITH OR WITHOUT EPILEPSY AND/OR HEMOLYTIC ANEMIA; PAROXYSMAL EXERTION-INDUCED DYSTONIA WITH OR WITHOUT EPILEPSY AND/OR HEMOLYTIC ANEMIA; PED WITH OR WITHOUT EPILEPSY AND/OR HEMOLYTIC ANEMIA; GLUT1 deficiency syndrome 2; PxMD-SLC2A1. Identifiers: Orphanet 98811, MedGen C1842534, MONDO:0012805, OMIM 612126.

Allele frequency attached by ClinVar (database versions not stated): gnomAD exomes below 0.00001 and 0.00001; gnomAD 0.00001; TOPMed 0.00001; ExAC 0.00002; ESP Exome Variant Server 0.00008.
gnomAD v4.1: 15 of 1,614,002 alleles (0.00093%); highest among the groups gnomAD compares: South Asian, 0.0022%; no homozygotes.

Submissions (7):

Labcorp Genetics (formerly Invitae), Labcorp
Classification: Uncertain significance for GLUT1 deficiency syndrome 1, autosomal recessive. Last evaluated: 2025-04-15. Review status: criteria provided, single submitter. Criteria: Invitae Variant Classification Sherloc (09022015). Collection method: clinical testing. Allele origin: germline.
Comment: This sequence change replaces arginine, which is basic and polar, with histidine, which is basic and polar, at codon 89 of the SLC2A1 protein (p.Arg89His). This variant is present in population databases (rs370031715, gnomAD 0.007%). This variant has not been reported in the literature in individuals affected with SLC2A1-related conditions. ClinVar contains an entry for this variant (Variation ID: 1439394). Invitae Evidence Modeling of protein sequence and biophysical properties (such as structural, functional, and spatial information, amino acid conservation, physicochemical variation, residue mobility, and thermodynamic stability) indicates that this missense variant is expected to disrupt SLC2A1 protein function with a positive predictive value of 95%. In summary, the available evidence is currently insufficient to determine the role of this variant in disease. Therefore, it has been classified as a Variant of Uncertain Significance.

PreventionGenetics, part of Exact Sciences
Classification: Uncertain significance for SLC2A1-related condition. Last evaluated: 2025-03-31. Review status: criteria provided, single submitter. Criteria: ACMG Guidelines, 2015. Collection method: clinical testing. Allele origin: germline.
Comment: The SLC2A1 c.266G>A variant is predicted to result in the amino acid substitution p.Arg89His. To our knowledge, this variant has not been reported in the literature. This variant is reported in 0.00088% of alleles in individuals of European (Non-Finnish) descent in gnomAD. At this time, the clinical significance of this variant is uncertain due to the absence of conclusive functional and genetic evidence.

Genome-Nilou Lab
Classification: Uncertain significance for Epilepsy, idiopathic generalized, susceptibility to, 12. Last evaluated: 2023-04-11. Review status: criteria provided, single submitter. Criteria: ACMG Guidelines, 2015. Collection method: clinical testing. Allele origin: germline. Affected: no.

Genome-Nilou Lab
Classification: Uncertain significance for Dystonia 9. Last evaluated: 2023-04-11. Review status: criteria provided, single submitter. Criteria: ACMG Guidelines, 2015. Collection method: clinical testing. Allele origin: germline. Affected: no.

Genome-Nilou Lab
Classification: Uncertain significance for Encephalopathy due to GLUT1 deficiency. Last evaluated: 2023-04-11. Review status: criteria provided, single submitter. Criteria: ACMG Guidelines, 2015. Collection method: clinical testing. Allele origin: germline. Affected: no.

Genome-Nilou Lab
Classification: Uncertain significance for Childhood onset GLUT1 deficiency syndrome 2. Last evaluated: 2023-04-11. Review status: criteria provided, single submitter. Criteria: ACMG Guidelines, 2015. Collection method: clinical testing. Allele origin: germline. Affected: no.

Genome-Nilou Lab
Classification: Uncertain significance for Hereditary cryohydrocytosis with reduced stomatin. Last evaluated: 2023-04-11. Review status: criteria provided, single submitter. Criteria: ACMG Guidelines, 2015. Collection method: clinical testing. Allele origin: germline. Affected: no.